The following is an entry in ClinVar:

NM_002529.4(NTRK1):c.1080G>A (p.Thr360=)

Gene: NTRK1 (neurotrophic receptor tyrosine kinase 1; plus strand). Cytogenetic location: 1q23.1.
Variant type: single nucleotide variant.
Coding change: c.1080G>A on transcript NM_002529.4 (MANE Select); coding-DNA position 1080, G replaced by A.
Protein change: p.Thr360=; no amino-acid change (threonine 360 retained).
Molecular consequence: synonymous variant.
Genome position (GRCh38, 1-based): chr1:156,873,862, G>A. VCF-style: chr1-156873862-G-A. GRCh37 (hg19) VCF-style: chr1-156843654-G-A.
Other names: p.Thr360=; c.1080G>A (NM_002529.3); c.990G>A, p.Thr330= (NM_001007792.1); c.1080G>A, p.Thr360= (NM_001012331.2).
Identifiers: ClinVar variation 292883 (VCV000292883.22), dbSNP rs2274498, ClinGen allele CA1169180.

ClinVar aggregate classification (germline): Benign/Likely benign. Review status: criteria provided, multiple submitters, no conflicts (2 of 4 stars). 7 submissions from 7 submitters: Benign (4); Likely benign (2). 1 of the submissions does not count toward it. Last evaluated 2026-02-04.

Conditions:
Hereditary insensitivity to pain with anhidrosis (CIPA). Also called: NEUROPATHY, CONGENITAL SENSORY, WITH ANHIDROSIS; hereditary sensory and autonomic neuropathy type 4; FAMILIAL DYSAUTONOMIA, TYPE II; NTRK1 Congenital Insensitivity to Pain with Anhidrosis; INSENSITIVITY TO PAIN, CONGENITAL, WITH ANHIDROSIS; HSAN Type IV. Identifiers: Orphanet 642, MedGen C0020074, MONDO:0009746, OMIM 256800.

Allele frequency attached by ClinVar (database versions not stated): gnomAD 0.00095 and 0.00141; TOPMed 0.00183; ExAC 0.00505; 1000 Genomes Project 30x 0.00671; 1000 Genomes Project 0.00799.
gnomAD v4.1: 1,797 of 1,603,020 alleles (0.11%); highest among the groups gnomAD compares: East Asian, 3.2%; 38 homozygotes.

Submissions (7):

Labcorp Genetics (formerly Invitae), Labcorp
Classification: Benign for Hereditary insensitivity to pain with anhidrosis. Last evaluated: 2026-02-04. Review status: criteria provided, single submitter. Criteria: Invitae Variant Classification Sherloc (09022015). Collection method: clinical testing. Allele origin: germline.

Mayo Clinic Laboratories, Mayo Clinic
Classification: Benign. Last evaluated: 2025-07-17. Review status: criteria provided, single submitter. Criteria: ACMG Guidelines, 2015. Collection method: clinical testing. Allele origin: germline. Observed: 1 variant allele.
Comment: BA1

KCCC/NGS Laboratory, Kuwait Cancer Control Center
Classification: Likely benign for Hereditary insensitivity to pain with anhidrosis. Last evaluated: 2023-07-07. Review status: criteria provided, single submitter. Criteria: ACMG Guidelines, 2015. Collection method: clinical testing. Allele origin: germline. Affected: yes.

Genome-Nilou Lab
Classification: Likely benign for Hereditary insensitivity to pain with anhidrosis. Last evaluated: 2023-04-11. Review status: criteria provided, single submitter. Criteria: ACMG Guidelines, 2015. Collection method: clinical testing. Allele origin: germline. Affected: no.

Illumina Laboratory Services, Illumina
Classification: Benign for Hereditary insensitivity to pain with anhidrosis. Last evaluated: 2018-01-13. Review status: criteria provided, single submitter. Criteria: ICSL Variant Classification Criteria 13 December 2019. Collection method: clinical testing. Allele origin: germline.
Comment: This variant was observed in the ICSL laboratory as part of a predisposition screen in an ostensibly healthy population. It had not been previously curated by ICSL or reported in the Human Gene Mutation Database (HGMD: prior to June 1st, 2018), and was therefore a candidate for classification through an automated scoring system. Utilizing variant allele frequency, disease prevalence and penetrance estimates, and inheritance mode, an automated score was calculated to assess if this variant is too frequent to cause the disease. Based on the score and internal cut-off values, a variant classified as benign is not then subjected to further curation. The score for this variant resulted in a classification of benign for this disease.

GeneDx
Classification: Benign. Last evaluated: 2015-03-03. Review status: criteria provided, single submitter. Criteria: GeneDx Variant Classification Process June 2021. Collection method: clinical testing. Allele origin: germline. Affected: yes.

Natera, Inc.
Classification: Benign for Hereditary insensitivity to pain with anhidrosis. Last evaluated: 2020-09-16. Review status: no assertion criteria provided. Collection method: clinical testing. Allele origin: germline. Not counted in ClinVar's aggregate classification.